The following is an entry in ClinVar:

ClinVar aggregate classification (germline): Uncertain significance. Review status: criteria provided, multiple submitters, no conflicts (2 of 4 stars). 2 submissions from 2 submitters: Uncertain significance (2). Last evaluated 2026-08-20.

Conditions:
Cardiovascular phenotype. Identifiers: MedGen CN230736.
Brugada syndrome. Also called: Sudden unexpected nocturnal death syndrome; Sudden Unexplained Death Syndrome; Sudden Unexplained Nocturnal Death Syndrome (SUNDS); Sudden unexplained nocturnal death syndrome. Identifiers: Orphanet 130, MedGen C1142166, MONDO:0015263.

Submissions (2):

Ambry Genetics
Classification: Uncertain significance for Cardiovascular phenotype. Last evaluated: 2026-08-20. Review status: criteria provided, single submitter. Criteria: Ambry Variant Classification Scheme 2023. Collection method: clinical testing. Allele origin: germline.
Comment: The c.366+5C>T intronic variant results from a C to T substitution 5 nucleotides after coding exon 3 in the GPD1L gene. This nucleotide position is not well conserved in available vertebrate species. In silico splice site analysis predicts that this alteration will not have any significant effect on splicing. Based on the available evidence, the clinical significance of this variant remains unclear.

Labcorp Genetics (formerly Invitae), Labcorp
Classification: Uncertain significance for Brugada syndrome. Last evaluated: 2025-02-02. Review status: criteria provided, single submitter. Criteria: Invitae Variant Classification Sherloc (09022015). Collection method: clinical testing. Allele origin: germline.
Comment: This sequence change falls in intron 3 of the GPD1L gene. It does not directly change the encoded amino acid sequence of the GPD1L protein. It affects a nucleotide within the consensus splice site. This variant is not present in population databases (gnomAD no frequency). This variant has not been reported in the literature in individuals affected with GPD1L-related conditions. ClinVar contains an entry for this variant (Variation ID: 518682). Variants that disrupt the consensus splice site are a relatively common cause of aberrant splicing (PMID: 17576681, 9536098). Algorithms developed to predict the effect of sequence changes on RNA splicing suggest that this variant is not likely to affect RNA splicing. In summary, the available evidence is currently insufficient to determine the role of this variant in disease. Therefore, it has been classified as a Variant of Uncertain Significance.

Literature cited by the submitters: PubMed 17576681 (cited by Labcorp Genetics (formerly Invitae), Labcorp); PubMed 9536098 (cited by Labcorp Genetics (formerly Invitae), Labcorp).

NM_015141.4(GPD1L):c.366+5C>T

Gene: GPD1L (glycerol-3-phosphate dehydrogenase 1 like; plus strand). Cytogenetic location: 3p22.3.
Variant type: single nucleotide variant.
Coding change: c.366+5C>T on transcript NM_015141.4 (MANE Select); 5 bases into the intron after coding-DNA position 366, C replaced by T.
Molecular consequence: intron variant.
Genome position (GRCh38, 1-based): chr3:32,138,732, C>T. VCF-style: chr3-32138732-C-T. GRCh37 (hg19) VCF-style: chr3-32180224-C-T.
Identifiers: ClinVar variation 518682 (VCV000518682.7), dbSNP rs1553659674, ClinGen allele CA658796273.